The following is an entry in ClinVar:

NM_001378454.1(ALMS1):c.3115A>G (p.Lys1039Glu)

Gene: ALMS1 (ALMS1 centrosome and basal body associated protein; plus strand). Cytogenetic location: 2p13.1.
Variant type: single nucleotide variant.
Coding change: c.3115A>G on transcript NM_001378454.1 (MANE Select); coding-DNA position 3115, A replaced by G.
Protein change: p.Lys1039Glu; replaces lysine 1039 with glutamic acid.
Molecular consequence: missense variant.
Genome position (GRCh38, 1-based): chr2:73,449,642, A>G. VCF-style: chr2-73449642-A-G. GRCh37 (hg19) VCF-style: chr2-73676769-A-G.
Other names: c.3118A>G, p.Lys1040Glu (NM_015120.4); short protein forms K1040E, K1039E.
Identifiers: ClinVar variation 1727818 (VCV001727818.2), dbSNP rs778340477, ClinGen allele CA1713462.

ClinVar aggregate classification (germline): Uncertain significance (1 of 4 stars; one submission).

Conditions:
Cardiovascular phenotype. Identifiers: MedGen CN230736.

Allele frequency attached by ClinVar (database versions not stated): ExAC 0.00001.

Submission:

Ambry Genetics
Classification: Uncertain significance for Cardiovascular phenotype. Last evaluated: 2022-07-05. Review status: criteria provided, single submitter. Criteria: Ambry Variant Classification Scheme 2023. Collection method: clinical testing. Allele origin: germline.
Comment: The p.K1040E variant (also known as c.3118A>G), located in coding exon 8 of the ALMS1 gene, results from an A to G substitution at nucleotide position 3118. The lysine at codon 1040 is replaced by glutamic acid, an amino acid with similar properties. This amino acid position is well conserved in available vertebrate species. In addition, this alteration is predicted to be tolerated by in silico analysis. Since supporting evidence is limited at this time, the clinical significance of this alteration remains unclear.